The following is an entry in ClinVar:

ClinVar aggregate classification (germline): Conflicting classifications of pathogenicity. Review status: criteria provided, conflicting classifications (1 of 4 stars). 3 submissions from 3 submitters: Uncertain significance (2); Likely benign (1). Last evaluated 2025-12-26.

Conditions:
Catecholaminergic polymorphic ventricular tachycardia (CVPT). Also called: Catecholamine-induced polymorphic ventricular tachycardia. Identifiers: Orphanet 3286, MedGen C5574922, MONDO:0017990.
Catecholaminergic polymorphic ventricular tachycardia 1. Also called: VENTRICULAR TACHYCARDIA, CATECHOLAMINERGIC POLYMORPHIC, 1, WITH OR WITHOUT ATRIAL DYSFUNCTION AND/OR DILATED CARDIOMYOPATHY; VENTRICULAR TACHYCARDIA, STRESS-INDUCED POLYMORPHIC 1; RYR2-Related Catecholaminergic Polymorphic Ventricular Tachycardia. Identifiers: Orphanet 3286, MedGen C1631597, MONDO:0011484, OMIM 604772.
Cardiomyopathy (CMYO). Also called: Cardiomyopathies. Identifiers: Orphanet 167848, MedGen C0878544, MONDO:0004994, HP:0001638. Inheritance: Various modes of inheritance.

Allele frequency attached by ClinVar (database versions not stated): ExAC 0.00001; gnomAD exomes 0.00001.

Submissions (3):

Labcorp Genetics (formerly Invitae), Labcorp
Classification: Likely benign for Catecholaminergic polymorphic ventricular tachycardia 1. Last evaluated: 2025-12-26. Review status: criteria provided, single submitter. Criteria: Invitae Variant Classification Sherloc (09022015). Collection method: clinical testing. Allele origin: germline.

All of Us Research Program, National Institutes of Health
Classification: Uncertain significance for Catecholaminergic polymorphic ventricular tachycardia. Last evaluated: 2024-07-10. Review status: criteria provided, single submitter. Criteria: ACMG Guidelines, 2015. Collection method: clinical testing. Allele origin: germline. Inheritance: Autosomal dominant inheritance. Observed: 1 variant allele, 1 heterozygote.
Comment: This missense variant replaces methionine with leucine at codon 1300 of the RYR2 protein. Computational prediction tools and conservation analyses are inconclusive regarding the impact of this variant on the protein function. Computational splicing tools suggest that this variant may not impact RNA splicing. To our knowledge, functional assays have not been performed for this variant nor has this variant been reported in individuals affected with cardiovascular disorders in the literature. This variant has been identified in 3/247924 chromosomes in the general population by the Genome Aggregation Database (gnomAD). Available evidence is insufficient to determine the role of this variant in disease conclusively. Therefore, this variant is classified as a Variant of Uncertain Significance.

This study involves interpretation of variants in research participants for the purpose of population health screening. Participant phenotype was not available at the time of variant classification. Additional details can be found in publication PMID: 35346344, PMCID: PMC8962531

Color Diagnostics, LLC DBA Color Health
Classification: Uncertain significance for Cardiomyopathy. Last evaluated: 2023-12-04. Review status: criteria provided, single submitter. Criteria: ACMG Guidelines, 2015. Collection method: clinical testing. Allele origin: germline.
Comment: This missense variant replaces methionine with leucine at codon 1300 of the RYR2 protein. Computational prediction tools and conservation analyses are inconclusive regarding the impact of this variant on the protein function. Computational splicing tools suggest that this variant may not impact RNA splicing. To our knowledge, functional assays have not been performed for this variant nor has this variant been reported in individuals affected with cardiovascular disorders in the literature. This variant has been identified in 3/247924 chromosomes in the general population by the Genome Aggregation Database (gnomAD). Available evidence is insufficient to determine the role of this variant in disease conclusively. Therefore, this variant is classified as a Variant of Uncertain Significance.

NM_001035.3(RYR2):c.3898A>C (p.Met1300Leu)

Genes: RYR2 (ryanodine receptor 2; plus strand), LOC126806067 (BRD4-independent group 4 enhancer GRCh37_chr1:237753258-237754457; plus strand). Cytogenetic location: 1q43.
Variant type: single nucleotide variant.
Coding change: c.3898A>C on transcript NM_001035.3 (MANE Select); coding-DNA position 3898, A replaced by C.
Protein change: p.Met1300Leu; replaces methionine 1300 with leucine.
Molecular consequence: missense variant.
Genome position (GRCh38, 1-based): chr1:237,590,730, A>C. VCF-style: chr1-237590730-A-C. GRCh37 (hg19) VCF-style: chr1-237754030-A-C.
Other names: c.3898A>C, p.Met1300Leu (LRG_402t1); short protein forms M1300L.
Identifiers: ClinVar variation 296721 (VCV000296721.14), dbSNP rs769384124, ClinGen allele CA086494.
Genomic context (GRCh38, chr1:237,590,730, plus strand): 5'-TCCCCATGTTTAAAGGTCACTCAGAAGTCTTTTGGTTCTCAGAACAGCAACACTGATATC[A>C]TGTTTTATCGCCTGAGCATGCCGATCGAGTGCGCGGAGGTCTTCTCCAAGACGGTGGCTG-3'
Protein context (NP_001026.2, residues 1290-1310): FGSQNSNTDI[Met1300Leu]FYRLSMPIEC